The following is an entry in ClinVar:

NM_001256864.2(DNAJC6):c.119G>T (p.Arg40Ile)

Gene: DNAJC6 (DnaJ heat shock protein family (Hsp40) member C6; plus strand). Cytogenetic location: 1p31.3.
Variant type: single nucleotide variant.
Coding change: c.119G>T on transcript NM_001256864.2 (MANE Select); coding-DNA position 119, G replaced by T.
Protein change: p.Arg40Ile; replaces arginine 40 with isoleucine.
Molecular consequence: missense variant. On other transcripts: intron variant (2).
Genome position (GRCh38, 1-based): chr1:65,309,864, G>T. VCF-style: chr1-65309864-G-T. GRCh37 (hg19) VCF-style: chr1-65775547-G-T.
Other names: c.-130-35747G>T (NM_001256865.2); c.22+44932G>T (NM_014787.4); short protein forms R40I.
Identifiers: ClinVar variation 1445553 (VCV001445553.6), dbSNP rs754115488, ClinGen allele CA893545.

ClinVar aggregate classification (germline): Uncertain significance (1 of 4 stars; one submission).

Conditions:
Juvenile onset Parkinson disease 19A. Also called: DNAJC6 Parkinson Disease; PARK19. Identifiers: Orphanet 391411, MedGen C3809811, MONDO:0014231, OMIM 615528.

Allele frequency attached by ClinVar (database versions not stated): gnomAD exomes 0.00001; gnomAD 0.00003 and 0.00004; TOPMed 0.00003; ExAC 0.00007.
gnomAD v4.1: 55 of 1,548,024 alleles (0.0036%); highest among the groups gnomAD compares: Non-Finnish European, 0.0047%; no homozygotes.

Submission:

Labcorp Genetics (formerly Invitae), Labcorp
Classification: Uncertain significance for Juvenile onset Parkinson disease 19A. Last evaluated: 2021-11-08. Review status: criteria provided, single submitter. Criteria: Invitae Variant Classification Sherloc (09022015). Collection method: clinical testing. Allele origin: germline.
Comment: In summary, the available evidence is currently insufficient to determine the role of this variant in disease. Therefore, it has been classified as a Variant of Uncertain Significance. Algorithms developed to predict the effect of missense changes on protein structure and function (SIFT, PolyPhen-2, Align-GVGD) all suggest that this variant is likely to be tolerated. This variant has not been reported in the literature in individuals affected with DNAJC6-related conditions. This variant is present in population databases (rs754115488, gnomAD 0.004%). This sequence change replaces arginine, which is basic and polar, with isoleucine, which is neutral and non-polar, at codon 40 of the DNAJC6 protein (p.Arg40Ile).